The following is an entry in ClinVar:

NM_000057.4(BLM):c.471G>T (p.Met157Ile)

Gene: BLM (BLM RecQ like helicase; plus strand). Cytogenetic location: 15q26.1.
Variant type: single nucleotide variant.
Coding change: c.471G>T on transcript NM_000057.4 (MANE Select); coding-DNA position 471, G replaced by T.
Protein change: p.Met157Ile; replaces methionine 157 with isoleucine.
Molecular consequence: missense variant. On other transcripts: 5 prime UTR variant (1).
Genome position (GRCh38, 1-based): chr15:90,749,739, G>T. VCF-style: chr15-90749739-G-T. GRCh37 (hg19) VCF-style: chr15-91292969-G-T.
Other names: c.471G>T, p.Met157Ile (NM_001287246.2, NM_001287247.2); c.-821G>T (NM_001287248.2); short protein forms M157I.
Identifiers: ClinVar variation 3824452 (VCV003824452.1).

ClinVar aggregate classification (germline): Uncertain significance (1 of 4 stars; one submission).

Conditions:
Hereditary cancer-predisposing syndrome. Also called: Hereditary neoplastic syndrome; Neoplastic Syndromes, Hereditary; Tumor predisposition; Hereditary Cancer Syndrome. Identifiers: Orphanet 140162, MedGen C0027672, MeSH D009386, MONDO:0015356.

Submission:

Ambry Genetics
Classification: Uncertain significance for Hereditary cancer-predisposing syndrome. Last evaluated: 2025-01-11. Review status: criteria provided, single submitter. Criteria: Ambry Variant Classification Scheme 2023. Collection method: clinical testing. Allele origin: germline.
Comment: The p.M157I variant (also known as c.471G>T), located in coding exon 2 of the BLM gene, results from a G to T substitution at nucleotide position 471. The methionine at codon 157 is replaced by isoleucine, an amino acid with highly similar properties. This amino acid position is conserved. In addition, this alteration is predicted to be tolerated by in silico analysis. Based on the available evidence, the clinical significance of this variant remains unclear.